The following is an entry in ClinVar:

NM_000051.4(ATM):c.2754del (p.Phe918fs)

Gene: ATM (ATM serine/threonine kinase; plus strand). Cytogenetic location: 11q22.3.
Variant type: Deletion.
Coding change: c.2754del on transcript NM_000051.4 (MANE Select); coding-DNA position 2754, one base deleted (T; older notation c.2754delT).
Protein change: p.Phe918fs; shifts the reading frame from phenylalanine 918.
Molecular consequence: frameshift variant.
Genome position (GRCh38, 1-based): chr11:108,268,525, T deleted; the last of 3 consecutive T bases (chr11:108,268,523-108,268,525); deleting any one gives the same sequence. VCF-style (leftmost placement, unchanged base first): chr11-108268522-CT-C. GRCh37 (hg19) VCF-style: chr11-108139249-CT-C.
Other names: c.2754delT (NM_000051.3); c.2754del, p.Phe918fs (NM_001351834.2); short protein forms F918fs.
Identifiers: ClinVar variation 185985 (VCV000185985.14), dbSNP rs786202608, ClinGen allele CA193565.

ClinVar aggregate classification (germline): Pathogenic/Likely pathogenic. Review status: criteria provided, multiple submitters, no conflicts (2 of 4 stars). 5 submissions from 5 submitters: Pathogenic (4); Likely pathogenic (1). Last evaluated 2025-01-30.

Conditions:
Hereditary cancer-predisposing syndrome. Also called: Hereditary Cancer Syndrome; Neoplastic Syndromes, Hereditary; Tumor predisposition; Hereditary neoplastic syndrome. Identifiers: Orphanet 140162, MedGen C0027672, MeSH D009386, MONDO:0015356.
Familial cancer of breast. Also called: BREAST CANCER, FAMILIAL; Hereditary breast cancer; hereditary breast carcinoma. Identifiers: Orphanet 227535, MedGen C0346153, MONDO:0016419, OMIM 114480. Disease mechanism: loss of function.
Ataxia-telangiectasia syndrome (AT). Also called: Ataxia-telangiectasia, complementation group D; AT, COMPLEMENTATION GROUP C; ATAXIA-TELANGIECTASIA, COMPLEMENTATION GROUP A; ATAXIA-TELANGIECTASIA, FRESNO VARIANT; Ataxia-telangiectasia; LOUIS-BAR SYNDROME. Identifiers: Orphanet 100, MedGen C0004135, MONDO:0008840, OMIM 208900.
Malignant tumor of breast. Also called: Cancer breast; Malignant breast neoplasm. Identifiers: MedGen C0006142, MONDO:0007254. Disease mechanism: loss of function.

Submissions (5):

Labcorp Genetics (formerly Invitae), Labcorp
Classification: Pathogenic for Ataxia-telangiectasia syndrome. Last evaluated: 2025-01-30. Review status: criteria provided, single submitter. Criteria: Invitae Variant Classification Sherloc (09022015). Collection method: clinical testing. Allele origin: germline.
Comment: This sequence change creates a premature translational stop signal (p.Phe918Leufs*11) in the ATM gene. It is expected to result in an absent or disrupted protein product. Loss-of-function variants in ATM are known to be pathogenic (PMID: 23807571, 25614872). This variant is not present in population databases (gnomAD no frequency). This variant has not been reported in the literature in individuals affected with ATM-related conditions. ClinVar contains an entry for this variant (Variation ID: 185985). For these reasons, this variant has been classified as Pathogenic.

Myriad Genetics, Inc.
Classification: Pathogenic for Familial cancer of breast. Last evaluated: 2024-01-18. Review status: criteria provided, single submitter. Criteria: Myriad Autosomal Dominant, Autosomal Recessive and X-Linked Classification Criteria (2023). Collection method: clinical testing. Allele origin: unknown.
Comment: This variant is considered pathogenic. This variant creates a frameshift predicted to result in premature protein truncation.

Baylor Genetics
Classification: Likely pathogenic for Familial cancer of breast. Last evaluated: 2024-01-16. Review status: criteria provided, single submitter. Criteria: ACMG Guidelines, 2015. Collection method: clinical testing. Allele origin: unknown.

Women's Health and Genetics/Laboratory Corporation of America, LabCorp
Classification: Pathogenic for Malignant tumor of breast. Last evaluated: 2023-08-31. Review status: criteria provided, single submitter. Criteria: LabCorp Variant Classification Summary - May 2015. Collection method: clinical testing. Allele origin: germline.
Comment: Variant summary: ATM c.2754delT (p.Phe918LeufsX11) results in a premature termination codon, predicted to cause a truncation of the encoded protein or absence of the protein due to nonsense mediated decay, which are commonly known mechanisms for disease. The variant was absent in 251426 control chromosomes. c.2754delT has been reported in the literature in multiple individuals affected with Breast Cancer (e.g. Nassar_2022). These data indicate that the variant is very likely to be associated with disease. To our knowledge, no experimental evidence demonstrating an impact on protein function has been reported. The following publication has been ascertained in the context of this evaluation (PMID: 36672847). Two submitters have cited clinical-significance assessments for this variant to ClinVar after 2014. All submitters classified the variant as pathogenic. Based on the evidence outlined above, the variant was classified as pathogenic.

Ambry Genetics
Classification: Pathogenic for Hereditary cancer-predisposing syndrome. Last evaluated: 2021-12-10. Review status: criteria provided, single submitter. Criteria: Ambry Variant Classification Scheme 2023. Collection method: clinical testing. Allele origin: germline.
Comment: The c.2754delT pathogenic mutation, located in coding exon 17 of the ATM gene, results from a deletion of one nucleotide at nucleotide position 2754, causing a translational frameshift with a predicted alternate stop codon (p.F918Lfs*11). This variant is considered to be rare based on population cohorts in the Genome Aggregation Database (gnomAD). This alteration is expected to result in loss of function by premature protein truncation or nonsense-mediated mRNA decay. As such, this alteration is interpreted as a disease-causing mutation.

Literature cited by the submitters: PubMed 23807571 (cited by Labcorp Genetics (formerly Invitae), Labcorp); PubMed 25614872 (cited by Labcorp Genetics (formerly Invitae), Labcorp); PubMed 36672847 (cited by Women's Health and Genetics/Laboratory Corporation of America, LabCorp).